The following is an entry in ClinVar:

NM_001365951.3(KIF1B):c.2719C>T (p.Arg907Cys)

Genes: KIF1B (kinesin family member 1B; plus strand), LOC126805614 (BRD4-independent group 4 enhancer GRCh37_chr1:10385546-10386745; plus strand). Cytogenetic location: 1p36.22.
Variant type: single nucleotide variant.
Coding change: c.2719C>T on transcript NM_001365951.3 (MANE Select); coding-DNA position 2719, C replaced by T.
Protein change: p.Arg907Cys; replaces arginine 907 with cysteine.
Molecular consequence: missense variant.
Genome position (GRCh38, 1-based): chr1:10,326,154, C>T. VCF-style: chr1-10326154-C-T. GRCh37 (hg19) VCF-style: chr1-10386212-C-T.
Other names: c.2719C>T, p.Arg907Cys (NM_001365952.1); c.2581C>T, p.Arg861Cys (NM_015074.3); short protein forms R861C, R907C.
Identifiers: ClinVar variation 1359373 (VCV001359373.12), dbSNP rs1334915559, ClinGen allele CA338336905.

ClinVar aggregate classification (germline): Uncertain significance. Review status: criteria provided, multiple submitters, no conflicts (2 of 4 stars). 2 submissions from 2 submitters: Uncertain significance (2). Last evaluated 2025-08-09.

Conditions:
Charcot-Marie-Tooth disease type 2. Also called: Charcot-Marie-Tooth type 2. Identifiers: Orphanet 64746, MedGen C0270914, MONDO:0018993.

Allele frequency attached by ClinVar (database versions not stated): TOPMed 0.00002; gnomAD exomes 0.00001 and below 0.00001; gnomAD 0.00001.
gnomAD v4.1: 10 of 1,614,006 alleles (0.00062%); highest among the groups gnomAD compares: East Asian, 0.0045%; no homozygotes.

Submissions (2):

Ambry Genetics
Classification: Uncertain significance. Last evaluated: 2025-08-09. Review status: criteria provided, single submitter. Criteria: Ambry Variant Classification Scheme 2023. Collection method: clinical testing. Allele origin: germline.
Comment: The p.R861C variant (also known as c.2581C>T), located in coding exon 24 of the KIF1B gene, results from a C to T substitution at nucleotide position 2581. The arginine at codon 861 is replaced by cysteine, an amino acid with highly dissimilar properties. This amino acid position is highly conserved in available vertebrate species. In addition, this alteration is predicted to be deleterious by in silico analysis. Since supporting evidence is limited at this time, the clinical significance of this alteration remains unclear.

Labcorp Genetics (formerly Invitae), Labcorp
Classification: Uncertain significance for Charcot-Marie-Tooth disease type 2. Last evaluated: 2023-09-03. Review status: criteria provided, single submitter. Criteria: Invitae Variant Classification Sherloc (09022015). Collection method: clinical testing. Allele origin: germline.
Comment: This sequence change replaces arginine, which is basic and polar, with cysteine, which is neutral and slightly polar, at codon 861 of the KIF1B protein (p.Arg861Cys). This variant is present in population databases (no rsID available, gnomAD 0.003%). This variant has not been reported in the literature in individuals affected with KIF1B-related conditions. ClinVar contains an entry for this variant (Variation ID: 1359373). An algorithm developed to predict the effect of missense changes on protein structure and function (PolyPhen-2) suggests that this variant is likely to be disruptive. In summary, the available evidence is currently insufficient to determine the role of this variant in disease. Therefore, it has been classified as a Variant of Uncertain Significance.